The following is an entry in ClinVar:

ClinVar aggregate classification (germline): Pathogenic (1 of 4 stars; one submission).

Conditions:
Epilepsy, familial focal, with variable foci 1 (FFEVF1). Also called: DEPDC5-Related Epilepsy. Identifiers: MedGen C4551983, MONDO:0024556, OMIM 604364.

Submission:

Women's Health and Genetics/Laboratory Corporation of America, LabCorp
Classification: Pathogenic for Epilepsy, familial focal, with variable foci 1. Last evaluated: 2025-11-13. Review status: criteria provided, single submitter. Criteria: LabCorp Variant Classification Summary - May 2015. Collection method: clinical testing. Allele origin: germline.
Comment: Variant summary: The variant involves the deletion of exons 1-3 in the NPRL3 gene. A presumed nomenclature of c.(?_-100)_(188+1_189-1)del has been designated for the purposes of this classification. The exact breakpoint at the 5' end of this variant is unknown, therefore this deletion may extend upstream of the annotated region of this gene. Although the exact breakpoints of this deletion are not known, it is predicted to remove the initiation codon and result in an absence of protein or a truncation of the encoded protein due to translation initiation at a downstream site. Loss-of-function variants in this gene are known to be pathogenic. The variant was absent in 21692 control chromosomes. A similar copy number variant deletion removing the first 2 coding exons has been observed in individual(s) affected with clinical features of Epilepsy, Familial Focal, With Variable Foci 1 (example, Truty_2019). The following publication has been ascertained in the context of this evaluation (PMID: 31440721). ClinVar was not accessible during scoring for this variant, however other similar CNVs were present in this region of the gene. Based on the evidence outlined above, the variant was classified as pathogenic.

Literature cited by the submitters: PubMed 31440721.

NC_000016.9:g.(169255_180520)_(188673_?)del

Gene: NPRL3 (NPR3 like, GATOR1 complex subunit; minus strand). Cytogenetic location: 16p13.3.
Variant type: Deletion.
Identifiers: ClinVar variation 4536739 (VCV004536739.1).